The following is an entry in ClinVar:

NM_000071.3(CBS):c.1594G>T (p.Gly532Trp)

Gene: CBS (cystathionine beta-synthase; minus strand). Cytogenetic location: 21q22.3.
Variant type: single nucleotide variant.
Coding change: c.1594G>T on transcript NM_000071.3 (MANE Select); coding-DNA position 1594, G replaced by T.
Protein change: p.Gly532Trp; replaces glycine 532 with tryptophan.
Molecular consequence: missense variant.
Genome position (GRCh38, 1-based): chr21:43,053,942, C>A on the plus strand (G>T on the coding strand, the complement: CBS is on the minus strand). VCF-style: chr21-43053942-C-A. GRCh37 (hg19) VCF-style: chr21-44474052-C-A.
Other names: c.1594G>T, p.Gly532Trp (NM_001178008.3, NM_001178009.3, NM_001320298.2); c.1279G>T, p.Gly427Trp (NM_001321072.1); short protein forms G532W, G427W.
Identifiers: ClinVar variation 3263660 (VCV003263660.1).
Genomic context (GRCh38, chr21:43,053,942, plus strand): 5'-ACTTCTGGTCCCGCTCCTGGGCGGCCACGAAGTTCAGCAAGTCAATGGCGGTGACCACCC[C>A]GAACACCATCTGCCGCTGACTGGACTTCCCGGTGCTGTGGTCTGAGGGGAGAACGAGGCA-3'
Protein context (NP_000062.1, residues 522-542): GKSSQRQMVF[Gly532Trp]VVTAIDLLNF

ClinVar aggregate classification (germline): Uncertain significance (1 of 4 stars; one submission).

Conditions:
Familial thoracic aortic aneurysm and aortic dissection (TAAD). Also called: Thoracic aortic aneurysms and dissections. Identifiers: Orphanet 91387, MedGen C4707243, MONDO:0019625.

Submission:

Ambry Genetics
Classification: Uncertain significance for Familial thoracic aortic aneurysm and aortic dissection. Last evaluated: 2024-04-07. Review status: criteria provided, single submitter. Criteria: Ambry Variant Classification Scheme 2023. Collection method: clinical testing. Allele origin: germline.
Comment: The p.G532W variant (also known as c.1594G>T), located in coding exon 15 of the CBS gene, results from a G to T substitution at nucleotide position 1594. The glycine at codon 532 is replaced by tryptophan, an amino acid with highly dissimilar properties. This amino acid position is conserved. In addition, the in silico prediction for this alteration is inconclusive. Based on the available evidence, the clinical significance of this variant remains unclear.